The following is an entry in ClinVar:

ClinVar aggregate classification (germline): Uncertain significance. Review status: criteria provided, multiple submitters, no conflicts (2 of 4 stars). 6 submissions from 6 submitters: Uncertain significance (5). 1 of the submissions does not count toward it. Last evaluated 2025-09-15.

Conditions:
Hereditary cancer-predisposing syndrome. Also called: Hereditary Cancer Syndrome; Neoplastic Syndromes, Hereditary; Tumor predisposition; Hereditary neoplastic syndrome. Identifiers: Orphanet 140162, MedGen C0027672, MeSH D009386, MONDO:0015356.
Ataxia-telangiectasia syndrome (AT). Also called: Ataxia telangiectasia (A-T); Ataxia-telangiectasia, complementation group E; LOUIS-BAR SYNDROME; Cerebello-oculocutaneous telangiectasia; Immunodeficiency with ataxia telangiectasia; Ataxia-telangiectasia, complementation group D. Identifiers: Orphanet 100, MedGen C0004135, MONDO:0008840, OMIM 208900.

Allele frequency attached by ClinVar (database versions not stated): gnomAD exomes below 0.00001.

Submissions (6):

Labcorp Genetics (formerly Invitae), Labcorp
Classification: Uncertain significance for Ataxia-telangiectasia syndrome. Last evaluated: 2025-09-15. Review status: criteria provided, single submitter. Criteria: Invitae Variant Classification Sherloc (09022015). Collection method: clinical testing. Allele origin: germline.
Comment: This sequence change replaces methionine, which is neutral and non-polar, with valine, which is neutral and non-polar, at codon 1755 of the ATM protein (p.Met1755Val). This variant is present in population databases (no rsID available, gnomAD 0.003%). This variant has not been reported in the literature in individuals affected with ATM-related conditions. ClinVar contains an entry for this variant (Variation ID: 231427). Invitae Evidence Modeling of protein sequence and biophysical properties (such as structural, functional, and spatial information, amino acid conservation, physicochemical variation, residue mobility, and thermodynamic stability) indicates that this missense variant is not expected to disrupt ATM protein function with a negative predictive value of 95%. Algorithms developed to predict the effect of sequence changes on RNA splicing suggest that this variant may disrupt the consensus splice site. In summary, the available evidence is currently insufficient to determine the role of this variant in disease. Therefore, it has been classified as a Variant of Uncertain Significance.

Ambry Genetics
Classification: Uncertain significance for Hereditary cancer-predisposing syndrome. Last evaluated: 2025-07-03. Review status: criteria provided, single submitter. Criteria: Ambry Variant Classification Scheme 2023. Collection method: clinical testing. Allele origin: germline.
Comment: The p.M1755V variant (also known as c.5263A>G), located in coding exon 34 of the ATM gene, results from an A to G substitution at nucleotide position 5263. The methionine at codon 1755 is replaced by valine, an amino acid with highly similar properties. This alteration has been detected in a cohort of 122 patients who underwent multi-gene panel testing for hereditary cancer after having previously tested negative for mutations in BRCA1 and BRCA2 (Yadav S et al. Fam Cancer, 2017 07;16:319-328). Additionally, this alteration was detected in 1/5589 German BRCA1/2-negative probands with breast cancer (Hauke J et al. Cancer Med, 2018 04;7:1349-1358). This amino acid position is poorly conserved in available vertebrate species. In addition, this alteration is predicted to be tolerated by in silico analysis. Since supporting evidence is limited at this time, the clinical significance of this alteration remains unclear.

Color Diagnostics, LLC DBA Color Health
Classification: Uncertain significance for Hereditary cancer-predisposing syndrome. Last evaluated: 2022-05-23. Review status: criteria provided, single submitter. Criteria: ACMG Guidelines, 2015. Collection method: clinical testing. Allele origin: germline.
Comment: This missense variant replaces methionine with valine at codon 1755 of the ATM protein. Computational prediction suggests that this variant may not impact protein structure and function (internally defined REVEL score threshold <= 0.5, PMID: 27666373). To our knowledge, functional studies have not been reported for this variant. This variant has not been reported in individuals affected with hereditary cancer in the literature. This variant has been identified in 1/251190 chromosomes in the general population by the Genome Aggregation Database (gnomAD). The available evidence is insufficient to determine the role of this variant in disease conclusively. Therefore, this variant is classified as a Variant of Uncertain Significance.

GeneDx
Classification: Uncertain significance. Last evaluated: 2019-06-25. Review status: criteria provided, single submitter. Criteria: GeneDx Variant Classification Process June 2021. Collection method: clinical testing. Allele origin: germline. Affected: yes.
Comment: Not observed at a significant frequency in large population cohorts (Lek et al., 2016); In silico analysis, which includes protein predictors and evolutionary conservation, supports that this variant does not alter protein structure/function; This variant is associated with the following publications: (PMID: 27878467, 29522266)

PreventionGenetics, part of Exact Sciences
Classification: Uncertain significance. Last evaluated: 2017-03-21. Review status: criteria provided, single submitter. Criteria: ACMG Guidelines, 2015. Collection method: clinical testing. Allele origin: germline.

Natera, Inc.
Classification: Uncertain significance for Ataxia-telangiectasia. Last evaluated: 2020-09-16. Review status: no assertion criteria provided. Collection method: clinical testing. Allele origin: germline. Not counted in ClinVar's aggregate classification.

Literature cited by the submitters: PubMed 27878467 (cited by Ambry Genetics); PubMed 29522266 (cited by Ambry Genetics).

NM_000051.4(ATM):c.5263A>G (p.Met1755Val)

Gene: ATM (ATM serine/threonine kinase; plus strand). Cytogenetic location: 11q22.3.
Variant type: single nucleotide variant.
Coding change: c.5263A>G on transcript NM_000051.4 (MANE Select); coding-DNA position 5263, A replaced by G.
Protein change: p.Met1755Val; replaces methionine 1755 with valine.
Molecular consequence: missense variant.
Genome position (GRCh38, 1-based): chr11:108,301,733, A>G. VCF-style: chr11-108301733-A-G. GRCh37 (hg19) VCF-style: chr11-108172460-A-G.
Other names: c.5263A>G, p.Met1755Val (NM_001351834.2); short protein forms M1755V.
Identifiers: ClinVar variation 231427 (VCV000231427.20), dbSNP rs876659150, ClinGen allele CA10579175.